The following is an entry in ClinVar:

NM_001039591.3(USP9X):c.1687G>A (p.Asp563Asn)

Gene: USP9X (ubiquitin specific peptidase 9 X-linked; plus strand). Cytogenetic location: Xp11.4.
Variant type: single nucleotide variant.
Coding change: c.1687G>A on transcript NM_001039591.3 (MANE Select); coding-DNA position 1687, G replaced by A.
Protein change: p.Asp563Asn; replaces aspartic acid 563 with asparagine.
Molecular consequence: missense variant.
Genome position (GRCh38, 1-based): chrX:41,150,981, G>A. VCF-style: chrX-41150981-G-A. GRCh37 (hg19) VCF-style: chrX-41010234-G-A.
Other names: c.1687G>A, p.Asp563Asn (NM_001039590.3, NM_001410748.1, NM_001410749.1); short protein forms D563N.
Identifiers: ClinVar variation 2574452 (VCV002574452.1), dbSNP rs2519164763, ClinGen allele CA412774452.

ClinVar aggregate classification (germline): Uncertain significance (1 of 4 stars; one submission).

Submission:

GeneDx
Classification: Uncertain significance. Last evaluated: 2023-01-26. Review status: criteria provided, single submitter. Criteria: GeneDx Variant Classification Process June 2021. Collection method: clinical testing. Allele origin: germline. Affected: yes.
Comment: Not observed at significant frequency in large population cohorts (gnomAD); In silico analysis supports that this missense variant does not alter protein structure/function; Has not been previously published as pathogenic or benign to our knowledge